The following is an entry in ClinVar:

NM_017763.6(RNF43):c.467G>C (p.Gly156Ala)

Gene: RNF43 (ring finger protein 43; minus strand). Cytogenetic location: 17q22.
Variant type: single nucleotide variant.
Coding change: c.467G>C on transcript NM_017763.6 (MANE Select); coding-DNA position 467, G replaced by C.
Protein change: p.Gly156Ala; replaces glycine 156 with alanine.
Molecular consequence: missense variant.
Genome position (GRCh38, 1-based): chr17:58,363,390, C>G on the plus strand (G>C on the coding strand, the complement: RNF43 is on the minus strand). VCF-style: chr17-58363390-C-G. GRCh37 (hg19) VCF-style: chr17-56440751-C-G.
Other names: c.467G>C, p.Gly156Ala (NM_001305544.3); c.86G>C, p.Gly29Ala (NM_001305545.2); c.467G>C (NM_017763.4); short protein forms G156A, G29A.
Identifiers: ClinVar variation 3240352 (VCV003240352.2), dbSNP rs762838524.

ClinVar aggregate classification (germline): Uncertain significance. Review status: criteria provided, multiple submitters, no conflicts (2 of 4 stars). 2 submissions from 2 submitters: Uncertain significance (2). Last evaluated 2025-05-06.

Conditions:
Sessile serrated polyposis cancer syndrome (SSPCS). Identifiers: Orphanet 157798, MedGen C4310714, MONDO:0014919, OMIM 617108.

Allele frequency attached by ClinVar (database versions not stated): TOPMed below 0.00001; ExAC 0.00001; gnomAD exomes 0.00001.
gnomAD v4.1: 3 of 1,614,194 alleles (0.00019%); highest among the groups gnomAD compares: Admixed American, 0.005%; no homozygotes.

Submissions (2):

Ambry Genetics
Classification: Uncertain significance. Last evaluated: 2025-05-06. Review status: criteria provided, single submitter. Criteria: Ambry Variant Classification Scheme 2023. Collection method: clinical testing. Allele origin: germline.
Comment: The p.G156A variant (also known as c.467G>C), located in coding exon 4 of the RNF43 gene, results from a G to C substitution at nucleotide position 467. The glycine at codon 156 is replaced by alanine, an amino acid with similar properties. This amino acid position is conserved. In addition, this alteration is predicted to be tolerated by in silico analysis. Based on the available evidence, the clinical significance of this variant remains unclear.

Baylor Genetics
Classification: Uncertain significance for Sessile serrated polyposis cancer syndrome. Last evaluated: 2024-03-28. Review status: criteria provided, single submitter. Criteria: ACMG Guidelines, 2015. Collection method: clinical testing. Allele origin: unknown.